The following is an entry in ClinVar:

ClinVar aggregate classification (germline): Uncertain significance. Review status: criteria provided, multiple submitters, no conflicts (2 of 4 stars). 3 submissions from 3 submitters: Uncertain significance (3). Last evaluated 2023-10-26.

Conditions:
Ataxia-telangiectasia syndrome (AT). Also called: ATAXIA-TELANGIECTASIA, COMPLEMENTATION GROUP A; ATAXIA-TELANGIECTASIA, FRESNO VARIANT; Ataxia-telangiectasia; Ataxia-telangiectasia, complementation group E; LOUIS-BAR SYNDROME; Cerebello-oculocutaneous telangiectasia. Identifiers: Orphanet 100, MedGen C0004135, MONDO:0008840, OMIM 208900.
Hereditary cancer-predisposing syndrome. Also called: Tumor predisposition; Hereditary Cancer Syndrome; Hereditary neoplastic syndrome; Neoplastic Syndromes, Hereditary. Identifiers: Orphanet 140162, MedGen C0027672, MeSH D009386, MONDO:0015356.
Familial cancer of breast. Also called: BREAST CANCER, FAMILIAL; hereditary breast carcinoma; Hereditary breast cancer. Identifiers: Orphanet 227535, MedGen C0346153, MONDO:0016419, OMIM 114480. Disease mechanism: loss of function.

Allele frequency attached by ClinVar (database versions not stated): gnomAD exomes below 0.00001.
gnomAD v4.1: 1 of 1,614,118 alleles (0.000062%); highest among the groups gnomAD compares: East Asian, 0.0022%; no homozygotes.

Submissions (3):

Baylor Genetics
Classification: Uncertain significance for Familial cancer of breast. Last evaluated: 2023-10-26. Review status: criteria provided, single submitter. Criteria: ACMG Guidelines, 2015. Collection method: clinical testing. Allele origin: unknown.

Ambry Genetics
Classification: Uncertain significance for Hereditary cancer-predisposing syndrome. Last evaluated: 2022-11-16. Review status: criteria provided, single submitter. Criteria: Ambry Variant Classification Scheme 2023. Collection method: clinical testing. Allele origin: germline.
Comment: The p.A3054D variant (also known as c.9161C>A), located in coding exon 62 of the ATM gene, results from a C to A substitution at nucleotide position 9161. The alanine at codon 3054 is replaced by aspartic acid, an amino acid with dissimilar properties. This alteration has not been reported in 7636 unselected prostate cancer patients and was observed with an allele frequency of 0.0008 in 12366 male controls of Japanese ancestry (Momozawa Y et al. J Natl Cancer Inst, 2020 04;112:369-376). Additionally, this alteration was not observed in unselected male breast cancer patients and was observed with an allele frequency of 0.0001 in 12,490 male controls of Japanese ancestry (Momozawa Y et al. Nat Commun, 2018 10;9:4083). This amino acid position is well conserved in available vertebrate species. In addition, this alteration is predicted to be deleterious by in silico analysis. Since supporting evidence is limited at this time, the clinical significance of this alteration remains unclear.

Labcorp Genetics (formerly Invitae), Labcorp
Classification: Uncertain significance for Ataxia-telangiectasia syndrome. Last evaluated: 2022-04-17. Review status: criteria provided, single submitter. Criteria: Invitae Variant Classification Sherloc (09022015). Collection method: clinical testing. Allele origin: germline.
Comment: This variant has not been reported in the literature in individuals affected with ATM-related conditions. In summary, the available evidence is currently insufficient to determine the role of this variant in disease. Therefore, it has been classified as a Variant of Uncertain Significance. Advanced modeling of protein sequence and biophysical properties (such as structural, functional, and spatial information, amino acid conservation, physicochemical variation, residue mobility, and thermodynamic stability) performed at Invitae indicates that this missense variant is expected to disrupt ATM protein function. This variant is not present in population databases (gnomAD no frequency). This sequence change replaces alanine, which is neutral and non-polar, with aspartic acid, which is acidic and polar, at codon 3054 of the ATM protein (p.Ala3054Asp).

Literature cited by the submitters: PubMed 30287823 (cited by Ambry Genetics); PubMed 31214711 (cited by Ambry Genetics).

NM_000051.4(ATM):c.9161C>A (p.Ala3054Asp)

Genes: ATM (ATM serine/threonine kinase; plus strand), C11orf65 (chromosome 11 open reading frame 65; minus strand). Cytogenetic location: 11q22.3.
Variant type: single nucleotide variant.
Coding change: c.9161C>A on transcript NM_000051.4 (MANE Select); coding-DNA position 9161, C replaced by A.
Protein change: p.Ala3054Asp; replaces alanine 3054 with aspartic acid.
Molecular consequence: missense variant. On other transcripts: intron variant (2).
Genome position (GRCh38, 1-based): chr11:108,365,498, C>A. VCF-style: chr11-108365498-C-A. GRCh37 (hg19) VCF-style: chr11-108236225-C-A.
Other names: c.9161C>A, p.Ala3054Asp (NM_001351834.2); c.640+20422G>T (NM_001330368.2); c.694+20422G>T (NM_001351110.2); short protein forms A3054D.
Identifiers: ClinVar variation 2152134 (VCV002152134.5), dbSNP rs1555152117, ClinGen allele CA382532185.